The following is an entry in ClinVar:

NM_001267550.2(TTN):c.34109T>G (p.Val11370Gly)

Gene: TTN (titin; minus strand). Cytogenetic location: 2q31.2.
Variant type: single nucleotide variant.
Coding change: c.34109T>G on transcript NM_001267550.2 (MANE Select); coding-DNA position 34109, T replaced by G.
Protein change: p.Val11370Gly; replaces valine 11370 with glycine.
Molecular consequence: missense variant. On other transcripts: intron variant (3).
Genome position (GRCh38, 1-based): chr2:178,677,803, A>C on the plus strand (T>G on the coding strand, the complement: TTN is on the minus strand). VCF-style: chr2-178677803-A-C. GRCh37 (hg19) VCF-style: chr2-179542530-A-C.
Other names: c.33158T>G, p.Val11053Gly (NM_001256850.1); c.30377T>G, p.Val10126Gly (NM_133378.4); c.13283-35486T>G (NM_003319.4); c.13859-35486T>G (NM_133437.4); c.13658-35486T>G (NM_133432.3); short protein forms V10126G, V11053G, V11370G.
Identifiers: ClinVar variation 4881910 (VCV004881910.2).

ClinVar aggregate classification (germline): Uncertain significance (1 of 4 stars; one submission).

Conditions:
Autosomal recessive limb-girdle muscular dystrophy type 2J (LGMDR10). Also called: Limb-girdle muscular dystrophy, type 2J; MUSCULAR DYSTROPHY, LIMB-GIRDLE, AUTOSOMAL RECESSIVE 10. Identifiers: Orphanet 140922, MedGen C1837342, MONDO:0012127, OMIM 608807.

Submission:

Dasa
Classification: Uncertain significance for Autosomal recessive limb-girdle muscular dystrophy type 2J. Last evaluated: 2025-12-20. Review status: criteria provided, single submitter. Criteria: DASA Assertion Criteria. Collection method: clinical testing. Allele origin: germline.
Comment: NM_001267550.2(TTN):c.34109T>G (p.Val11370Gly) is a missense variant that results in the substitution of valine with glycine. This variant is rare in population databases. Computational prediction algorithms are consistent with a benign effect. The currently available literature and clinical evidence are not sufficient to establish a definitive association between this variant and the reported condition. Therefore, this variant is classified as a variant of uncertain significance.